The following is an entry in ClinVar:

ClinVar aggregate classification (germline): Benign/Likely benign. Review status: criteria provided, multiple submitters, no conflicts (2 of 4 stars). 7 submissions from 7 submitters: Benign (1); Likely benign (6). Last evaluated 2025-06-17.

Conditions:
Classic or attenuated familial adenomatous polyposis. Identifiers: MedGen CN372698, MONDO:0021057.
Hereditary cancer-predisposing syndrome. Also called: Hereditary Cancer Syndrome; Hereditary neoplastic syndrome; Neoplastic Syndromes, Hereditary; Tumor predisposition. Identifiers: Orphanet 140162, MedGen C0027672, MeSH D009386, MONDO:0015356.
Familial adenomatous polyposis 1 (FAP1). Also called: FAMILIAL ADENOMATOUS POLYPOSIS 1, ATTENUATED; POLYPOSIS, ADENOMATOUS INTESTINAL. Identifiers: MedGen C2713442, MONDO:0021056, OMIM 175100. Disease mechanism: loss of function.

Allele frequency attached by ClinVar (database versions not stated): gnomAD exomes 0.00001.
gnomAD v4.1: 13 of 1,614,004 alleles (0.00081%); highest among the groups gnomAD compares: South Asian, 0.0066%; no homozygotes.

Submissions (7):

Labcorp Genetics (formerly Invitae), Labcorp
Classification: Likely benign for Familial adenomatous polyposis 1. Last evaluated: 2025-06-17. Review status: criteria provided, single submitter. Criteria: Invitae Variant Classification Sherloc (09022015). Collection method: clinical testing. Allele origin: germline.

Myriad Genetics, Inc.
Classification: Benign for Familial adenomatous polyposis 1. Last evaluated: 2024-03-27. Review status: criteria provided, single submitter. Criteria: Myriad Autosomal Dominant, Autosomal Recessive and X-Linked Classification Criteria (2023). Collection method: clinical testing. Allele origin: unknown.
Comment: This variant is considered benign. This variant is a silent/synonymous amino acid change and it is not expected to impact splicing.

All of Us Research Program, National Institutes of Health
Classification: Likely benign for Classic or attenuated familial adenomatous polyposis. Last evaluated: 2023-11-20. Review status: criteria provided, single submitter. Criteria: ACMG Guidelines, 2015. Collection method: clinical testing. Allele origin: germline. Inheritance: Autosomal dominant inheritance. Observed: 3 variant alleles, 3 heterozygotes.
Comment: This study involves interpretation of variants in research participants for the purpose of population health screening. Participant phenotype was not available at the time of variant classification. Additional details can be found in publication PMID: 35346344, PMCID: PMC8962531

Color Diagnostics, LLC DBA Color Health
Classification: Likely benign for Hereditary cancer-predisposing syndrome. Last evaluated: 2022-11-06. Review status: criteria provided, single submitter. Criteria: ACMG Guidelines, 2015. Collection method: clinical testing. Allele origin: germline.

Women's Health and Genetics/Laboratory Corporation of America, LabCorp
Classification: Likely benign. Last evaluated: 2019-12-21. Review status: criteria provided, single submitter. Criteria: LabCorp Variant Classification Summary - May 2015. Collection method: clinical testing. Allele origin: germline.

Ambry Genetics
Classification: Likely benign for Hereditary cancer-predisposing syndrome. Last evaluated: 2017-08-29. Review status: criteria provided, single submitter. Criteria: Ambry Variant Classification Scheme 2023. Collection method: clinical testing. Allele origin: germline.

GeneDx
Classification: Likely benign. Last evaluated: 2016-11-14. Review status: criteria provided, single submitter. Criteria: GeneDx Variant Classification (06012015). Collection method: clinical testing. Allele origin: germline. Affected: yes.
Comment: This variant is considered likely benign or benign based on one or more of the following criteria: it is a conservative change, it occurs at a poorly conserved position in the protein, it is predicted to be benign by multiple in silico algorithms, and/or has population frequency not consistent with disease.

NM_000038.6(APC):c.4686C>T (p.Asp1562=)

Gene: APC (APC regulator of Wnt signaling pathway; plus strand). Cytogenetic location: 5q22.2.
Variant type: single nucleotide variant.
Coding change: c.4686C>T on transcript NM_000038.6 (MANE Select); coding-DNA position 4686, C replaced by T.
Protein change: p.Asp1562=; no amino-acid change (aspartic acid 1562 retained).
Molecular consequence: synonymous variant.
Genome position (GRCh38, 1-based): chr5:112,840,280, C>T. VCF-style: chr5-112840280-C-T. GRCh37 (hg19) VCF-style: chr5-112175977-C-T.
Other names: c.4686C>T, p.Asp1562= (NM_001127510.3, NM_001354895.2); c.4632C>T, p.Asp1544= (NM_001127511.3); c.4740C>T, p.Asp1580= (NM_001354896.2); c.4716C>T, p.Asp1572= (NM_001354897.2); c.4611C>T, p.Asp1537= (NM_001354898.2); c.4602C>T, p.Asp1534= (NM_001354899.2); c.4563C>T, p.Asp1521= (NM_001354900.2); c.4509C>T, p.Asp1503= (NM_001354901.2); and 5 more.
Identifiers: ClinVar variation 384532 (VCV000384532.21), dbSNP rs72541812, ClinGen allele CA16604780.